The following is an entry in ClinVar:

NM_000282.4(PCCA):c.65C>T (p.Pro22Leu)

Gene: PCCA (propionyl-CoA carboxylase subunit alpha; plus strand). Cytogenetic location: 13q32.3.
Variant type: single nucleotide variant.
Coding change: c.65C>T on transcript NM_000282.4 (MANE Select); coding-DNA position 65, C replaced by T.
Protein change: p.Pro22Leu; replaces proline 22 with leucine.
Molecular consequence: missense variant. On other transcripts: 5 prime UTR variant (3), non-coding transcript variant (5).
Genome position (GRCh38, 1-based): chr13:100,089,185, C>T. VCF-style: chr13-100089185-C-T. GRCh37 (hg19) VCF-style: chr13-100741439-C-T.
Other names: c.-802C>T (NM_001352610.2, NM_001352611.2, NM_001352612.2); c.65C>T, p.Pro22Leu (NM_001127692.3, NM_001178004.2, NM_001352605.2 and 4 more transcripts); short protein forms P22L.
Identifiers: ClinVar variation 1401469 (VCV001401469.3), dbSNP rs773397570, ClinGen allele CA7033072.

ClinVar aggregate classification (germline): Uncertain significance (1 of 4 stars; one submission).

Conditions:
Propionic acidemia (PROP). Also called: GLYCINEMIA, KETOTIC; HYPERGLYCINEMIA WITH KETOACIDOSIS AND LEUKOPENIA; KETOTIC HYPERGLYCINEMIA. Identifiers: Orphanet 35, MedGen C0268579, MONDO:0011628, OMIM 606054, HP:0003571.

Allele frequency attached by ClinVar (database versions not stated): gnomAD exomes 0.00001 and 0.00003; TOPMed 0.00001; ExAC 0.00007.
gnomAD v4.1: 6 of 1,528,842 alleles (0.00039%); highest among the groups gnomAD compares: East Asian, 0.0051%; no homozygotes.

Submission:

Labcorp Genetics (formerly Invitae), Labcorp
Classification: Uncertain significance for Propionic acidemia. Last evaluated: 2022-06-10. Review status: criteria provided, single submitter. Criteria: Invitae Variant Classification Sherloc (09022015). Collection method: clinical testing. Allele origin: germline.
Comment: This sequence change replaces proline, which is neutral and non-polar, with leucine, which is neutral and non-polar, at codon 22 of the PCCA protein (p.Pro22Leu). The frequency data for this variant in the population databases is considered unreliable, as metrics indicate poor data quality at this position in the gnomAD database. This variant has not been reported in the literature in individuals affected with PCCA-related conditions. Advanced modeling of protein sequence and biophysical properties (such as structural, functional, and spatial information, amino acid conservation, physicochemical variation, residue mobility, and thermodynamic stability) performed at Invitae indicates that this missense variant is not expected to disrupt PCCA protein function. In summary, the available evidence is currently insufficient to determine the role of this variant in disease. Therefore, it has been classified as a Variant of Uncertain Significance.